The following is an entry in ClinVar:

NM_001353214.3(DYM):c.281G>A (p.Cys94Tyr)

Gene: DYM (dymeclin; minus strand). Cytogenetic location: 18q21.1.
Variant type: single nucleotide variant.
Coding change: c.281G>A on transcript NM_001353214.3 (MANE Select); coding-DNA position 281, G replaced by A.
Protein change: p.Cys94Tyr; replaces cysteine 94 with tyrosine.
Molecular consequence: missense variant. On other transcripts: intron variant (5).
Genome position (GRCh38, 1-based): chr18:49,379,671, C>T on the plus strand (G>A on the coding strand, the complement: DYM is on the minus strand). VCF-style: chr18-49379671-C-T. GRCh37 (hg19) VCF-style: chr18-46906041-C-T.
Other names: c.281G>A (NM_017653.3); c.281G>A, p.Cys94Tyr (NM_001353210.3, NM_001353213.3, NM_001353215.3 and 12 more transcripts); c.278G>A, p.Cys93Tyr (NM_001353211.3, NM_001353212.3, NM_001374429.1 and 1 more transcripts); c.193+11922G>A (NM_001374443.1, NM_001374444.1, NM_001374442.1 and 2 more transcripts); short protein forms C94Y, C93Y.
Identifiers: ClinVar variation 1425943 (VCV001425943.6), dbSNP rs1049649508, ClinGen allele CA299919510.

ClinVar aggregate classification (germline): Uncertain significance. Review status: criteria provided, multiple submitters, no conflicts (2 of 4 stars). 2 submissions from 2 submitters: Uncertain significance (2). Last evaluated 2025-12-04.

Conditions:
Inborn genetic diseases. Identifiers: MedGen C0950123, MeSH D030342.

Allele frequency attached by ClinVar (database versions not stated): gnomAD 0.00009 and 0.00008; TOPMed 0.00019; gnomAD exomes 0.00001.
gnomAD v4.1: 25 of 1,610,372 alleles (0.0016%); highest among the groups gnomAD compares: Admixed American, 0.033%; no homozygotes.

Submissions (2):

Ambry Genetics
Classification: Uncertain significance for Inborn genetic diseases. Last evaluated: 2025-12-04. Review status: criteria provided, single submitter. Criteria: Ambry Variant Classification Scheme 2023. Collection method: clinical testing. Allele origin: germline.

Labcorp Genetics (formerly Invitae), Labcorp
Classification: Uncertain significance. Last evaluated: 2025-01-27. Review status: criteria provided, single submitter. Criteria: Invitae Variant Classification Sherloc (09022015). Collection method: clinical testing. Allele origin: germline.
Comment: This sequence change replaces cysteine, which is neutral and slightly polar, with tyrosine, which is neutral and polar, at codon 94 of the DYM protein (p.Cys94Tyr). This variant is present in population databases (no rsID available, gnomAD no frequency). This variant has not been reported in the literature in individuals affected with DYM-related conditions. ClinVar contains an entry for this variant (Variation ID: 1425943). Invitae Evidence Modeling of protein sequence and biophysical properties (such as structural, functional, and spatial information, amino acid conservation, physicochemical variation, residue mobility, and thermodynamic stability) indicates that this missense variant is not expected to disrupt DYM protein function with a negative predictive value of 80%. In summary, the available evidence is currently insufficient to determine the role of this variant in disease. Therefore, it has been classified as a Variant of Uncertain Significance.